The following is an entry in ClinVar:

ClinVar aggregate classification (germline): Uncertain significance. Review status: criteria provided, multiple submitters, no conflicts (2 of 4 stars). 2 submissions from 2 submitters: Uncertain significance (2). Last evaluated 2026-09-01.

Allele frequency attached by ClinVar (database versions not stated): gnomAD exomes below 0.00001; TOPMed below 0.00001.
gnomAD v4.1: 2 of 1,613,596 alleles (0.00012%); highest among the groups gnomAD compares: Admixed American, 0.0033%; no homozygotes.

Submissions (2):

CeGaT Center for Human Genetics Tuebingen
Classification: Uncertain significance. Last evaluated: 2026-09-01. Review status: criteria provided, single submitter. Criteria: CeGaT Center For Human Genetics Tuebingen Variant Classification Criteria Version 2. Collection method: clinical testing. Allele origin: germline. Affected: yes. Observed: 1 variant allele.
Comment: SCN2A: PM2

GeneDx
Classification: Uncertain significance. Last evaluated: 2023-06-16. Review status: criteria provided, single submitter. Criteria: GeneDx Variant Classification Process June 2021. Collection method: clinical testing. Allele origin: germline. Affected: yes.
Comment: Missense variants in this gene are often considered pathogenic (HGMD); This substitution is predicted to be within the extracellular loop between the S5 and S6 transmembrane segments of the first homologous domain; In silico analysis supports that this missense variant does not alter protein structure/function; Has not been previously published as pathogenic or benign to our knowledge

NM_001040142.2(SCN2A):c.859T>C (p.Ser287Pro)

Gene: SCN2A (sodium voltage-gated channel alpha subunit 2; plus strand). Cytogenetic location: 2q24.3.
Variant type: single nucleotide variant.
Coding change: c.859T>C on transcript NM_001040142.2 (MANE Select); coding-DNA position 859, T replaced by C.
Protein change: p.Ser287Pro; replaces serine 287 with proline.
Molecular consequence: missense variant.
Genome position (GRCh38, 1-based): chr2:165,310,484, T>C. VCF-style: chr2-165310484-T-C. GRCh37 (hg19) VCF-style: chr2-166166994-T-C.
Other names: c.859T>C, p.Ser287Pro (NM_001040143.2, NM_001371246.1, NM_001371247.1 and 1 more transcripts); short protein forms S287P.
Identifiers: ClinVar variation 2505892 (VCV002505892.2), dbSNP rs1034704734, ClinGen allele CA59728748.